The following is an entry in ClinVar:

NM_000059.4(BRCA2):c.7596del (p.Ser2533fs)

Gene: BRCA2 (BRCA2 DNA repair associated; plus strand). Cytogenetic location: 13q13.1.
Variant type: Deletion.
Coding change: c.7596del on transcript NM_000059.4 (MANE Select); coding-DNA position 7596, one base deleted (C; older notation c.7596delC).
Protein change: p.Ser2533fs; shifts the reading frame from serine 2533.
Molecular consequence: frameshift variant. On other transcripts: non-coding transcript variant (1).
Genome position (GRCh38, 1-based): chr13:32,356,588, C deleted; the last of 3 consecutive C bases (chr13:32,356,586-32,356,588); deleting any one gives the same sequence. VCF-style (leftmost placement, unchanged base first): chr13-32356585-TC-T. GRCh37 (hg19) VCF-style: chr13-32930722-TC-T.
Other names: c.7500del, p.Ser2501fs (NM_001406719.1); c.7596del, p.Ser2533fs (NM_001406720.1, NM_001432077.1); c.2664del, p.Ser889fs (NM_001406721.1); c.1179del, p.Ser394fs (NM_001406722.1); short protein forms S889fs, S2501fs, S2533fs, S394fs.
Identifiers: ClinVar variation 3482035 (VCV003482035.3).

ClinVar aggregate classification (germline): Pathogenic. Review status: criteria provided, multiple submitters, no conflicts (2 of 4 stars). 2 submissions from 2 submitters: Pathogenic (2). Last evaluated 2024-08-23.

Conditions:
Hereditary cancer-predisposing syndrome. Also called: Tumor predisposition; Neoplastic Syndromes, Hereditary; Hereditary Cancer Syndrome; Hereditary neoplastic syndrome. Identifiers: Orphanet 140162, MedGen C0027672, MeSH D009386, MONDO:0015356.
Hereditary breast ovarian cancer syndrome. Also called: Hereditary breast and ovarian cancer; Breast and ovarian cancer; Hereditary breast and/or ovarian cancer syndrome; Hereditary breast and ovarian cancer syndrome; BRCA1- and BRCA2-Associated Hereditary Breast and Ovarian Cancer; Hereditary breast and ovarian cancer syndrome (HBOC). Identifiers: Orphanet 145, MedGen C0677776, MeSH D061325, MONDO:0003582. Disease mechanism: loss of function.

Submissions (2):

Ambry Genetics
Classification: Pathogenic for Hereditary cancer-predisposing syndrome. Last evaluated: 2024-08-23. Review status: criteria provided, single submitter. Criteria: Ambry Variant Classification Scheme 2023. Collection method: clinical testing. Allele origin: germline.
Comment: The c.7596delC pathogenic mutation, located in coding exon 14 of the BRCA2 gene, results from a deletion of one nucleotide at nucleotide position 7596, causing a translational frameshift with a predicted alternate stop codon (p.S2533Lfs*18). This variant is considered to be rare based on population cohorts in the Genome Aggregation Database (gnomAD). This alteration is expected to result in loss of function by premature protein truncation or nonsense-mediated mRNA decay. As such, this alteration is interpreted as a disease-causing mutation.

Labcorp Genetics (formerly Invitae), Labcorp
Classification: Pathogenic for Hereditary breast ovarian cancer syndrome. Last evaluated: 2024-02-07. Review status: criteria provided, single submitter. Criteria: Invitae Variant Classification Sherloc (09022015). Collection method: clinical testing. Allele origin: germline.
Comment: This sequence change creates a premature translational stop signal (p.Ser2533Leufs*18) in the BRCA2 gene. It is expected to result in an absent or disrupted protein product. Loss-of-function variants in BRCA2 are known to be pathogenic (PMID: 20104584). This variant is not present in population databases (gnomAD no frequency). This variant has not been reported in the literature in individuals affected with BRCA2-related conditions. For these reasons, this variant has been classified as Pathogenic.

Literature cited by the submitters: PubMed 20104584 (cited by Labcorp Genetics (formerly Invitae), Labcorp).